The following is an entry in ClinVar:

NM_020631.6(PLEKHG5):c.909C>T (p.Tyr303=)

Gene: PLEKHG5 (pleckstrin homology and RhoGEF domain containing G5; minus strand). Cytogenetic location: 1p36.31.
Variant type: single nucleotide variant.
Coding change: c.909C>T on transcript NM_020631.6 (MANE Select); coding-DNA position 909, C replaced by T.
Protein change: p.Tyr303=; no amino-acid change (tyrosine 303 retained).
Molecular consequence: synonymous variant.
Genome position (GRCh38, 1-based): chr1:6,473,061, G>A on the plus strand (C>T on the coding strand, the complement: PLEKHG5 is on the minus strand). VCF-style: chr1-6473061-G-A. GRCh37 (hg19) VCF-style: chr1-6533121-G-A.
Other names: c.1020C>T, p.Tyr340= (NM_001042663.3, NM_001265592.2); c.909C>T, p.Tyr303= (NM_001042664.2, NM_001042665.2, NM_001265594.3 and 1 more transcripts); c.1116C>T, p.Tyr372= (NM_001265593.2).
Identifiers: ClinVar variation 517842 (VCV000517842.13), dbSNP rs376900021, ClinGen allele CA561714.

ClinVar aggregate classification (germline): Likely benign. Review status: criteria provided, multiple submitters, no conflicts (2 of 4 stars). 4 submissions from 4 submitters: Likely benign (4). Last evaluated 2024-10-30.

Conditions:
Inborn genetic diseases. Identifiers: MedGen C0950123, MeSH D030342.
Neuronopathy, distal hereditary motor, autosomal recessive 4. Also called: NEUROPATHY, DISTAL HEREDITARY MOTOR, AUTOSOMAL RECESSIVE 4; Autosomal recessive lower motor neuron disease with childhood onset. Identifiers: Orphanet 206580, MedGen C1970211, MONDO:0012608, OMIM 611067.
Charcot-Marie-Tooth disease recessive intermediate C. Also called: CHARCOT-MARIE-TOOTH NEUROPATHY, RECESSIVE INTERMEDIATE C. Identifiers: Orphanet 369867, MedGen C3809309, MONDO:0014154, OMIM 615376.

Allele frequency attached by ClinVar (database versions not stated): gnomAD 0.00004; TOPMed 0.00004; gnomAD exomes 0.00006; ExAC 0.00007; ESP Exome Variant Server 0.00008.
gnomAD v4.1: 39 of 1,613,762 alleles (0.0024%); highest among the groups gnomAD compares: East Asian, 0.018%; no homozygotes.

Submissions (4):

ARUP Laboratories, Molecular Genetics and Genomics, ARUP Laboratories
Classification: Likely benign. Last evaluated: 2024-10-30. Review status: criteria provided, single submitter. Criteria: ARUP Molecular Germline Variant Investigation Process 2024. Collection method: clinical testing. Allele origin: germline.

Labcorp Genetics (formerly Invitae), Labcorp
Classification: Likely benign for Neuronopathy, distal hereditary motor, autosomal recessive 4; Charcot-Marie-Tooth disease recessive intermediate C. Last evaluated: 2023-10-31. Review status: criteria provided, single submitter. Criteria: Invitae Variant Classification Sherloc (09022015). Collection method: clinical testing. Allele origin: germline.

Ambry Genetics
Classification: Likely benign for Inborn genetic diseases. Last evaluated: 2019-07-11. Review status: criteria provided, single submitter. Criteria: Ambry Variant Classification Scheme 2023. Collection method: clinical testing. Allele origin: germline.

GeneDx
Classification: Likely benign. Last evaluated: 2017-04-04. Review status: criteria provided, single submitter. Criteria: GeneDx Variant Classification (06012015). Collection method: clinical testing. Allele origin: germline. Affected: yes.
Comment: This variant is considered likely benign or benign based on one or more of the following criteria: it is a conservative change, it occurs at a poorly conserved position in the protein, it is predicted to be benign by multiple in silico algorithms, and/or has population frequency not consistent with disease.